The following is an entry in ClinVar:

NM_022455.5(NSD1):c.3286C>T (p.His1096Tyr)

Gene: NSD1 (nuclear receptor binding SET domain protein 1; plus strand). Cytogenetic location: 5q35.3.
Variant type: single nucleotide variant.
Coding change: c.3286C>T on transcript NM_022455.5 (MANE Select); coding-DNA position 3286, C replaced by T.
Protein change: p.His1096Tyr; replaces histidine 1096 with tyrosine.
Molecular consequence: missense variant.
Genome position (GRCh38, 1-based): chr5:177,211,685, C>T. VCF-style: chr5-177211685-C-T. GRCh37 (hg19) VCF-style: chr5-176638686-C-T.
Other names: c.2413C>T, p.His805Tyr (NM_001409308.1, NM_001409309.1, NM_172349.5 and 3 more transcripts); c.3286C>T, p.His1096Tyr (NM_001409301.1, NM_001409302.1, NM_001409303.1); c.2866C>T, p.His956Tyr (NM_001409304.1); c.2533C>T, p.His845Tyr (NM_001409305.1); short protein forms H1096Y, H827Y, H956Y, H805Y, H845Y.
Identifiers: ClinVar variation 454046 (VCV000454046.45), dbSNP rs202208033, ClinGen allele CA3577411.

ClinVar aggregate classification (germline): Benign/Likely benign. Review status: criteria provided, multiple submitters, no conflicts (2 of 4 stars). 9 submissions from 9 submitters: Benign (2); Likely benign (5). 2 of the submissions do not count toward it. Last evaluated 2026-02-01.

Conditions:
Sotos syndrome (SOTOS). Also called: CHROMOSOME 5q35 DELETION SYNDROME; CEREBRAL GIGANTISM; SOTOS SYNDROME 1; Sotos' syndrome; Distinctive facial appearance, overgrowth in childhood, and learning disabilities or delayed development. Identifiers: Orphanet 821, MedGen C0175695, MONDO:0019349, OMIM 117550.

Allele frequency attached by ClinVar (database versions not stated): gnomAD 0.00005 and 0.00002; gnomAD exomes 0.00012 and 0.00022; 1000 Genomes Project 30x 0.00016; 1000 Genomes Project 0.00020; ExAC 0.00021; TOPMed 0.00003.
gnomAD v4.1: 186 of 1,614,000 alleles (0.012%); highest among the groups gnomAD compares: South Asian, 0.1%; no homozygotes.

Submissions (9):

CeGaT Center for Human Genetics Tuebingen
Classification: Likely benign. Last evaluated: 2026-02-01. Review status: criteria provided, single submitter. Criteria: CeGaT Center For Human Genetics Tuebingen Variant Classification Criteria Version 2. Collection method: clinical testing. Allele origin: germline. Affected: yes. Observed: 15 variant alleles.
Comment: NSD1: BS1

Labcorp Genetics (formerly Invitae), Labcorp
Classification: Likely benign. Last evaluated: 2025-11-02. Review status: criteria provided, single submitter. Criteria: Invitae Variant Classification Sherloc (09022015). Collection method: clinical testing. Allele origin: germline.

Laboratory of Genetics, Children's Clinical University Hospital Latvia
Classification: Likely benign. Last evaluated: 2025-02-16. Review status: criteria provided, single submitter. Criteria: ACMG Guidelines, 2015. Collection method: clinical testing. Allele origin: germline. Affected: yes.

Blueprint Genetics
Classification: Likely benign. Last evaluated: 2024-11-25. Review status: criteria provided, single submitter. Criteria: ACMG Guidelines, 2015. Collection method: clinical testing. Allele origin: germline.

Fulgent Genetics
Classification: Likely benign for Sotos syndrome. Last evaluated: 2022-02-24. Review status: criteria provided, single submitter. Criteria: ACMG Guidelines, 2015. Collection method: clinical testing. Allele origin: unknown.

Genome-Nilou Lab
Classification: Benign for Sotos syndrome. Last evaluated: 2021-07-15. Review status: criteria provided, single submitter. Criteria: ACMG Guidelines, 2015. Collection method: clinical testing. Allele origin: germline. Affected: no.

GeneDx
Classification: Benign. Last evaluated: 2020-12-07. Review status: criteria provided, single submitter. Criteria: GeneDx Variant Classification Process June 2021. Collection method: clinical testing. Allele origin: germline. Affected: yes.

Clinical Genetics DNA and cytogenetics Diagnostics Lab, Erasmus MC, Erasmus Medical Center
Classification: Likely benign. Review status: no assertion criteria provided. Collection method: clinical testing. Allele origin: germline. Affected: yes. Study: VKGL Data-share Consensus. Not counted in ClinVar's aggregate classification.

Diagnostic Laboratory, Department of Genetics, University Medical Center Groningen
Classification: Likely benign. Review status: no assertion criteria provided. Collection method: clinical testing. Allele origin: germline. Affected: yes. Study: VKGL Data-share Consensus. Not counted in ClinVar's aggregate classification.